The following is an entry in ClinVar:

NM_000388.4(CASR):c.1444T>A (p.Cys482Ser)

Gene: CASR (calcium sensing receptor; plus strand). Cytogenetic location: 3q21.1.
Variant type: single nucleotide variant.
Coding change: c.1444T>A on transcript NM_000388.4 (MANE Select); coding-DNA position 1444, T replaced by A.
Protein change: p.Cys482Ser; replaces cysteine 482 with serine.
Molecular consequence: missense variant.
Genome position (GRCh38, 1-based): chr3:122,275,878, T>A. VCF-style: chr3-122275878-T-A. GRCh37 (hg19) VCF-style: chr3-121994725-T-A.
Other names: c.1444T>A, p.Cys482Ser (NM_001178065.2); short protein forms C482S.
Identifiers: ClinVar variation 463903 (VCV000463903.11), dbSNP rs774174934, ClinGen allele CA2569659.

ClinVar aggregate classification (germline): Uncertain significance (1 of 4 stars; one submission).

Conditions:
Familial hypocalciuric hypercalcemia (FHH). Also called: Familial benign hypercalcemia. Identifiers: Orphanet 405, MedGen C1809471, MONDO:0018458.
Autosomal dominant hypocalcemia 1 (HYPOC1). Also called: HYPOCALCEMIA, FAMILIAL. Identifiers: MedGen C3715128, MONDO:0011013, OMIM 601198.

Allele frequency attached by ClinVar (database versions not stated): TOPMed below 0.00001; ExAC 0.00001; gnomAD exomes 0.00001.
gnomAD v4.1: 8 of 1,614,092 alleles (0.0005%); highest among the groups gnomAD compares: South Asian, 0.0066%; no homozygotes.

Submission:

Labcorp Genetics (formerly Invitae), Labcorp
Classification: Uncertain significance for Familial hypocalciuric hypercalcemia; Autosomal dominant hypocalcemia 1. Last evaluated: 2019-05-29. Review status: criteria provided, single submitter. Criteria: Invitae Variant Classification Sherloc (09022015). Collection method: clinical testing. Allele origin: germline.
Comment: Experimental studies have shown that this missense change does not affect cell surface expression or receptor dimerization in vitro (PMID: 10488104). This variant is present in population databases (rs774174934, ExAC 0.006%) but has not been reported in the literature in individuals with a CASR-related disease. This sequence change replaces cysteine with serine at codon 482 of the CASR protein (p.Cys482Ser). The cysteine residue is moderately conserved and there is a moderate physicochemical difference between cysteine and serine. In summary, this variant is a rare missense change that does not appear to affect protein function. There is no indication that it causes disease, but the available evidence is currently insufficient to prove that conclusively. Therefore, it has been classified as a Variant of Uncertain Significance.

Literature cited by the submitters: PubMed 10488104.